The following is an entry in ClinVar:

NM_032242.4(PLXNA1):c.1636G>A (p.Ala546Thr)

Gene: PLXNA1 (plexin A1; plus strand). Cytogenetic location: 3q21.3.
Variant type: single nucleotide variant.
Coding change: c.1636G>A on transcript NM_032242.4 (MANE Select); coding-DNA position 1636, G replaced by A.
Protein change: p.Ala546Thr; replaces alanine 546 with threonine.
Molecular consequence: missense variant.
Genome position (GRCh38, 1-based): chr3:127,004,901, G>A. VCF-style: chr3-127004901-G-A. GRCh37 (hg19) VCF-style: chr3-126723744-G-A.
Other names: short protein forms A546T.
Identifiers: ClinVar variation 4854141 (VCV004854141.1).

ClinVar aggregate classification (germline): Uncertain significance (1 of 4 stars; one submission).

Conditions:
Dworschak-Punetha neurodevelopmental syndrome (DWOPNED). Identifiers: MedGen C5677017, MONDO:0859260, OMIM 619955.

gnomAD v4.1: 9 of 1,601,558 alleles (0.00056%); highest among the groups gnomAD compares: Non-Finnish European, 0.00068%; no homozygotes.

Submission:

3billion
Classification: Uncertain significance for Dworschak-Punetha neurodevelopmental syndrome. Last evaluated: 2025-12-10. Review status: criteria provided, single submitter. Criteria: ACMG Guidelines, 2015. Collection method: clinical testing. Allele origin: germline. Affected: yes.
Comment: The variant is observed at an extremely low frequency in the gnomAD v4.1.0 dataset (total allele frequency: <0.001%). Predicted Consequence/Location: Missense variant In silico tool predictions suggest no damaging effect of the variant on gene or gene product [REVEL: 0.06 (<0.4); 3Cnet: 0.06 (<0.1, specificity 0.84 and negative predicitive value 0.97)]. Therefore, this variant is classified as VUS according to the recommendation of ACMG/AMP guideline.